The following is an entry in ClinVar:

ClinVar aggregate classification (germline): Uncertain significance (1 of 4 stars; one submission).

gnomAD v4.1: 7 of 1,614,022 alleles (0.00043%); highest among the groups gnomAD compares: Non-Finnish European, 0.00059%; no homozygotes.

Submission:

GeneDx
Classification: Uncertain significance. Last evaluated: 2024-04-30. Review status: criteria provided, single submitter. Criteria: GeneDx Variant Classification Process June 2021. Collection method: clinical testing. Allele origin: germline. Affected: yes.
Comment: Not observed at significant frequency in large population cohorts (gnomAD); In silico analysis indicates that this missense variant does not alter protein structure/function; Has not been previously published as pathogenic or benign to our knowledge

NM_015559.3(SETBP1):c.1582G>A (p.Ala528Thr)

Gene: SETBP1 (SET binding protein 1; plus strand). Cytogenetic location: 18q12.3.
Variant type: single nucleotide variant.
Coding change: c.1582G>A on transcript NM_015559.3 (MANE Select); coding-DNA position 1582, G replaced by A.
Protein change: p.Ala528Thr; replaces alanine 528 with threonine.
Molecular consequence: missense variant.
Genome position (GRCh38, 1-based): chr18:44,950,922, G>A. VCF-style: chr18-44950922-G-A. GRCh37 (hg19) VCF-style: chr18-42530887-G-A.
Other names: c.1582G>A, p.Ala528Thr (NM_001379141.1, NM_001379142.1, NM_001410862.1); short protein forms A528T.
Identifiers: ClinVar variation 3373224 (VCV003373224.1).